The following is an entry in ClinVar:

ClinVar aggregate classification (germline): Conflicting classifications of pathogenicity. Review status: criteria provided, conflicting classifications (1 of 4 stars). 6 submissions from 6 submitters: Uncertain significance (1); Benign (1); Likely benign (4). Last evaluated 2026-01-26.

Conditions:
Donnai-Barrow syndrome. Also called: DBS/FOAR SYNDROME; FACIOOCULOACOUSTICORENAL SYNDROME. Identifiers: Orphanet 2143, MedGen C1857277, MONDO:0009104, OMIM 222448.

Allele frequency attached by ClinVar (database versions not stated): ESP Exome Variant Server 0.00054; gnomAD 0.00065 and 0.00077; TOPMed 0.00069; gnomAD exomes 0.00076 and 0.00085; ExAC 0.00082; 1000 Genomes Project 0.00100; 1000 Genomes Project 30x 0.00125.
gnomAD v4.1: 1,337 of 1,614,150 alleles (0.083%); highest among the groups gnomAD compares: South Asian, 0.2%; 3 homozygotes.

Submissions (6):

Labcorp Genetics (formerly Invitae), Labcorp
Classification: Benign. Last evaluated: 2026-01-26. Review status: criteria provided, single submitter. Criteria: Invitae Variant Classification Sherloc (09022015). Collection method: clinical testing. Allele origin: germline.

Mayo Clinic Laboratories, Mayo Clinic
Classification: Likely benign. Last evaluated: 2025-11-15. Review status: criteria provided, single submitter. Criteria: ACMG Guidelines, 2015. Collection method: clinical testing. Allele origin: germline. Observed: 1 variant allele.
Comment: BS1_supporting, BP4, BP7

Blueprint Genetics
Classification: Likely benign. Last evaluated: 2024-11-19. Review status: criteria provided, single submitter. Criteria: ACMG Guidelines, 2015. Collection method: clinical testing. Allele origin: germline.

CeGaT Center for Human Genetics Tuebingen
Classification: Likely benign. Last evaluated: 2022-04-01. Review status: criteria provided, single submitter. Criteria: CeGaT Center For Human Genetics Tuebingen Variant Classification Criteria Version 2. Collection method: clinical testing. Allele origin: germline. Affected: yes. Observed: 1 variant allele.
Comment: LRP2: BP4, BP7

Genome-Nilou Lab
Classification: Likely benign for Donnai-Barrow syndrome. Last evaluated: 2021-07-15. Review status: criteria provided, single submitter. Criteria: ACMG Guidelines, 2015. Collection method: clinical testing. Allele origin: germline. Affected: no.

Illumina Laboratory Services, Illumina
Classification: Uncertain significance for Donnai-Barrow syndrome. Last evaluated: 2018-01-13. Review status: criteria provided, single submitter. Criteria: ICSL Variant Classification Criteria 13 December 2019. Collection method: clinical testing. Allele origin: germline.

NM_004525.3(LRP2):c.4803C>T (p.Cys1601=)

Gene: LRP2 (LDL receptor related protein 2; minus strand). Cytogenetic location: 2q31.1.
Variant type: single nucleotide variant.
Coding change: c.4803C>T on transcript NM_004525.3 (MANE Select); coding-DNA position 4803, C replaced by T.
Protein change: p.Cys1601=; no amino-acid change (cysteine 1601 retained).
Molecular consequence: synonymous variant.
Genome position (GRCh38, 1-based): chr2:169,235,957, G>A on the plus strand (C>T on the coding strand, the complement: LRP2 is on the minus strand). VCF-style: chr2-169235957-G-A. GRCh37 (hg19) VCF-style: chr2-170092467-G-A.
Other names: p.Cys1601=.
Identifiers: ClinVar variation 715998 (VCV000715998.43), dbSNP rs141068435, ClinGen allele CA1954703.
Genomic context (GRCh38, chr2:169,235,957, plus strand): 5'-GTAATCAAGATAGGAGTCCATGAAGTAGAGCAGTCTGTTGGGGTAGTCAATAGTTAAGCC[G>A]CAGGGCCAGAAGATCTTGTCCTGGACAATGACAGTGCGCATGCTGCCGTCCATGCTGGCT-3'
Protein context (NP_004516.2, residues 1591-1611): VIVQDKIFWP[Cys1601=]GLTIDYPNRL